The following is an entry in ClinVar:

NM_018979.4(WNK1):c.4799T>C (p.Ile1600Thr)

Gene: WNK1 (WNK lysine deficient protein kinase 1; plus strand). Cytogenetic location: 12p13.33.
Variant type: single nucleotide variant.
Coding change: c.4799T>C on transcript NM_018979.4 (MANE Select); coding-DNA position 4799, T replaced by C.
Protein change: p.Ile1600Thr; replaces isoleucine 1600 with threonine.
Molecular consequence: missense variant.
Genome position (GRCh38, 1-based): chr12:885,603, T>C. VCF-style: chr12-885603-T-C. GRCh37 (hg19) VCF-style: chr12-994769-T-C.
Other names: c.5579T>C, p.Ile1860Thr (NM_001184985.2); c.4058T>C, p.Ile1353Thr (NM_014823.3); c.5555T>C, p.Ile1852Thr (NM_213655.5); short protein forms I1852T, I1600T, I1353T, I1860T.
Identifiers: ClinVar variation 1748259 (VCV001748259.3), dbSNP rs780229328, ClinGen allele CA6383034.
Genomic context (GRCh38, chr12:885,603, plus strand): 5'-CTATTCTTCCCCAAGCAGCAGGACCTACTTCTACACCTTTATTACCCCAAGTACCTAGTA[T>C]CCCACCCTTGGTACAGCCTGTTGCCAATGTGCCTGCTGTACAGCAGACACTAATTCATAG-3'
Protein context (NP_061852.3, residues 1590-1610): STPLLPQVPS[Ile1600Thr]PPLVQPVANV

ClinVar aggregate classification (germline): Uncertain significance. Review status: criteria provided, multiple submitters, no conflicts (2 of 4 stars). 2 submissions from 2 submitters: Uncertain significance (2). Last evaluated 2024-04-10.

Conditions:
Inborn genetic diseases. Identifiers: MedGen C0950123, MeSH D030342.
Neuropathy, hereditary sensory and autonomic, type 2A (HSAN2A). Also called: MORVAN DISEASE; NEUROPATHY, CONGENITAL SENSORY; NEUROPATHY, HEREDITARY SENSORY RADICULAR, AUTOSOMAL RECESSIVE; NEUROPATHY, HEREDITARY SENSORY, TYPE IIA; NEUROPATHY, PROGRESSIVE SENSORY, OF CHILDREN; ACROOSTEOLYSIS, GIACCAI TYPE. Identifiers: Orphanet 970, MedGen C2752089, MONDO:0024309, OMIM 201300.
Pseudohypoaldosteronism type 2C (PHA2C). Also called: Pseudohypoaldosteronism Type IIC. Identifiers: Orphanet 757, Orphanet 88940, MedGen C1840391, MONDO:0013778, OMIM 614492.

Allele frequency attached by ClinVar (database versions not stated): ExAC 0.00001; TOPMed 0.00003; gnomAD 0.00004.
gnomAD v4.1: 11 of 1,613,994 alleles (0.00068%); highest among the groups gnomAD compares: African/African-American, 0.015%; no homozygotes.

Submissions (2):

Fulgent Genetics
Classification: Uncertain significance for Neuropathy, hereditary sensory and autonomic, type 2A; Pseudohypoaldosteronism type 2C. Last evaluated: 2024-04-10. Review status: criteria provided, single submitter. Criteria: ACMG Guidelines, 2015. Collection method: clinical testing. Allele origin: germline.

Ambry Genetics
Classification: Uncertain significance for Inborn genetic diseases. Last evaluated: 2020-06-09. Review status: criteria provided, single submitter. Criteria: Ambry Variant Classification Scheme 2023. Collection method: clinical testing. Allele origin: germline.
Comment: The p.I1852T variant (also known as c.5555T>C), located in coding exon 19 of the WNK1 gene, results from a T to C substitution at nucleotide position 5555. The isoleucine at codon 1852 is replaced by threonine, an amino acid with similar properties. This amino acid position is not well conserved in available vertebrate species. In addition, this alteration is predicted to be tolerated by in silico analysis. Since supporting evidence is limited at this time, the clinical significance of this alteration remains unclear.